The following is an entry in ClinVar:

ClinVar aggregate classification (germline): Uncertain significance (1 of 4 stars; one submission).

Allele frequency attached by ClinVar (database versions not stated): TOPMed below 0.00001; gnomAD 0.00001; gnomAD exomes 0.00001; ExAC 0.00002.
gnomAD v4.1: 12 of 1,611,224 alleles (0.00074%); highest among the groups gnomAD compares: East Asian, 0.0045%; no homozygotes.

Submission:

Labcorp Genetics (formerly Invitae), Labcorp
Classification: Uncertain significance. Last evaluated: 2021-11-06. Review status: criteria provided, single submitter. Criteria: Invitae Variant Classification Sherloc (09022015). Collection method: clinical testing. Allele origin: germline.
Comment: This sequence change replaces glycine, which is neutral and non-polar, with serine, which is neutral and polar, at codon 128 of the SLC9A3 protein (p.Gly128Ser). The frequency data for this variant in the population databases is considered unreliable, as metrics indicate poor data quality at this position in the gnomAD database. This variant has not been reported in the literature in individuals affected with SLC9A3-related conditions. Algorithms developed to predict the effect of missense changes on protein structure and function are either unavailable or do not agree on the potential impact of this missense change (SIFT: "Not Available"; PolyPhen-2: "Probably Damaging"; Align-GVGD: "Not Available"). In summary, the available evidence is currently insufficient to determine the role of this variant in disease. Therefore, it has been classified as a Variant of Uncertain Significance.

NM_004174.4(SLC9A3):c.382G>A (p.Gly128Ser)

Gene: SLC9A3 (solute carrier family 9 member A3). Cytogenetic location: 5p15.33.
Variant type: single nucleotide variant.
Coding change: c.382G>A on transcript NM_004174.4 (MANE Select); coding-DNA position 382, G replaced by A.
Protein change: p.Gly128Ser; replaces glycine 128 with serine.
Molecular consequence: missense variant.
Genome position (GRCh38, 1-based): chr5:491,901, C>T on the plus strand (G>A on the coding strand, the complement: SLC9A3 is on the minus strand). VCF-style: chr5-491901-C-T. GRCh37 (hg19) VCF-style: chr5-492016-C-T.
Other names: c.382G>A, p.Gly128Ser (NM_001284351.3); short protein forms G128S.
Identifiers: ClinVar variation 1504694 (VCV001504694.6), dbSNP rs746669869, ClinGen allele CA3176351.
Genomic context (GRCh38, chr5:491,901, plus strand): 5'-CGGCGTACAACAGGATGGTCCCCAGGTTGCCGAAGAAGAGGCGGTTGGGCATGAAGTAGC[C>T]GGCGTCCAGCACGATGGGGGGCAGCAGGTAGAAGAAGAAGACGGTGGGCGTCAGTGTGAA-3'
Protein context (NP_004165.2, residues 118-138): YLLPPIVLDA[Gly128Ser]YFMPNRLFFG